The following is an entry in ClinVar:

ClinVar aggregate classification (germline): Uncertain significance (1 of 4 stars; one submission).

Conditions:
Duchenne muscular dystrophy (DMD). Also called: Duchenne Muscular Dystrophy (DMD); MUSCULAR DYSTROPHY, PSEUDOHYPERTROPHIC PROGRESSIVE, DUCHENNE TYPE. Identifiers: Orphanet 98896, MedGen C0013264, MONDO:0010679, OMIM 310200.

gnomAD v4.1: 1 of 1,210,754 alleles (0.000083%); no homozygotes.

Submission:

Labcorp Genetics (formerly Invitae), Labcorp
Classification: Uncertain significance for Duchenne muscular dystrophy. Last evaluated: 2025-03-18. Review status: criteria provided, single submitter. Criteria: Invitae Variant Classification Sherloc (09022015). Collection method: clinical testing. Allele origin: germline.
Comment: This sequence change replaces leucine, which is neutral and non-polar, with phenylalanine, which is neutral and non-polar, at codon 703 of the DMD protein (p.Leu703Phe). This variant is not present in population databases (gnomAD no frequency). This variant has not been reported in the literature in individuals affected with DMD-related conditions. Invitae Evidence Modeling of protein sequence and biophysical properties (such as structural, functional, and spatial information, amino acid conservation, physicochemical variation, residue mobility, and thermodynamic stability) indicates that this missense variant is not expected to disrupt DMD protein function with a negative predictive value of 95%. In summary, the available evidence is currently insufficient to determine the role of this variant in disease. Therefore, it has been classified as a Variant of Uncertain Significance.

NM_004006.3(DMD):c.2107C>T (p.Leu703Phe)

Gene: DMD (dystrophin; minus strand). Cytogenetic location: Xp21.1.
Variant type: single nucleotide variant.
Coding change: c.2107C>T on transcript NM_004006.3 (MANE Select); coding-DNA position 2107, C replaced by T.
Protein change: p.Leu703Phe; replaces leucine 703 with phenylalanine.
Molecular consequence: missense variant.
Genome position (GRCh38, 1-based): chrX:32,545,220, G>A on the plus strand (C>T on the coding strand, the complement: DMD is on the minus strand). VCF-style: chrX-32545220-G-A. GRCh37 (hg19) VCF-style: chrX-32563337-G-A.
Other names: c.2083C>T, p.Leu695Phe (NM_000109.4); c.2095C>T, p.Leu699Phe (NM_004009.3); c.1738C>T, p.Leu580Phe (NM_004010.3); short protein forms L580F, L695F, L699F, L703F.
Identifiers: ClinVar variation 4800980 (VCV004800980.1).